The following is an entry in ClinVar:

ClinVar aggregate classification (germline): Uncertain significance (1 of 4 stars; one submission).

gnomAD v4.1: 3 of 1,605,230 alleles (0.00019%); highest among the groups gnomAD compares: African/African-American, 0.004%; no homozygotes.

Submission:

Labcorp Genetics (formerly Invitae), Labcorp
Classification: Uncertain significance. Last evaluated: 2026-01-22. Review status: criteria provided, single submitter. Criteria: Invitae Variant Classification Sherloc (09022015). Collection method: clinical testing. Allele origin: germline.
Comment: This sequence change affects codon 331 of the PDE6B mRNA. It is a 'silent' change, meaning that it does not change the encoded amino acid sequence of the PDE6B protein. It affects a nucleotide within the consensus splice site. This variant is not present in population databases (gnomAD no frequency). This variant has not been reported in the literature in individuals affected with PDE6B-related conditions. Algorithms developed to predict the effect of sequence changes on RNA splicing suggest that this variant is not likely to affect RNA splicing. In summary, the available evidence is currently insufficient to determine the role of this variant in disease. Therefore, it has been classified as a Variant of Uncertain Significance.

NM_000283.4(PDE6B):c.993C>T (p.Pro331=)

Gene: PDE6B (phosphodiesterase 6B; plus strand). Cytogenetic location: 4p16.3.
Variant type: single nucleotide variant.
Coding change: c.993C>T on transcript NM_000283.4 (MANE Select); coding-DNA position 993, C replaced by T.
Protein change: p.Pro331=; no amino-acid change (proline 331 retained).
Molecular consequence: synonymous variant. On other transcripts: intron variant (1).
Genome position (GRCh38, 1-based): chr4:655,940, C>T. VCF-style: chr4-655940-C-T. GRCh37 (hg19) VCF-style: chr4-649729-C-T.
Other names: c.993C>T, p.Pro331= (NM_001145291.2, NM_001440547.1, NM_001440548.1); c.156C>T, p.Pro52= (NM_001145292.2, NM_001350154.3, NM_001379246.1 and 1 more transcripts); c.-48-934C>T (NM_001350155.3).
Identifiers: ClinVar variation 4808714 (VCV004808714.1).
Genomic context (GRCh38, chr4:655,940, plus strand): 5'-CTCCTGCACGCGCACATCCAGCCCGGCGTGGCCTATCTGACCCCTGCTCTCTGCCCACAG[C>T]ACACCCTCAGCCGATCACTGGGCCCTGGCCAGCGGCCTTCCAAGCTACGTGGCAGAAAGC-3'
Protein context (NP_000274.3, residues 321-341): LHGKEEIKVI[Pro331=]TPSADHWALA